The following is an entry in ClinVar:

NM_024009.3(GJB3):c.660G>A (p.Lys220=)

Gene: GJB3 (gap junction protein beta 3; plus strand). Cytogenetic location: 1p34.3.
Variant type: single nucleotide variant.
Coding change: c.660G>A on transcript NM_024009.3 (MANE Select); coding-DNA position 660, G replaced by A.
Protein change: p.Lys220=; no amino-acid change (lysine 220 retained).
Molecular consequence: synonymous variant.
Genome position (GRCh38, 1-based): chr1:34,785,422, G>A. VCF-style: chr1-34785422-G-A. GRCh37 (hg19) VCF-style: chr1-35251023-G-A.
Other names: c.660G>A, p.Lys220= (NM_001005752.2).
Identifiers: ClinVar variation 297194 (VCV000297194.8), dbSNP rs777765331, ClinGen allele CA754880.

ClinVar aggregate classification (germline): Likely benign. Review status: criteria provided, multiple submitters, no conflicts (2 of 4 stars). 2 submissions from 2 submitters: Likely benign (2). Last evaluated 2025-03-26.

Conditions:
Erythrokeratodermia variabilis et progressiva 1 (EKVP1). Also called: ERYTHROKERATODERMIA FIGURATA, CONGENITAL FAMILIAL, IN PLAQUES; ERYTHROKERATODERMIA VARIABILIS WITH ERYTHEMA GYRATUM REPENS; ERYTHROKERATODERMIA, PROGRESSIVE SYMMETRIC. Identifiers: Orphanet 317, MedGen C4551486, MONDO:0033010, OMIM 133200.

Allele frequency attached by ClinVar (database versions not stated): gnomAD exomes 0.00001; ExAC 0.00002; TOPMed 0.00002; gnomAD 0.00003 and 0.00004.
gnomAD v4.1: 31 of 1,613,230 alleles (0.0019%); highest among the groups gnomAD compares: Middle Eastern, 0.017%; no homozygotes.

Submissions (2):

Labcorp Genetics (formerly Invitae), Labcorp
Classification: Likely benign. Last evaluated: 2025-03-26. Review status: criteria provided, single submitter. Criteria: Invitae Variant Classification Sherloc (09022015). Collection method: clinical testing. Allele origin: germline.

Illumina Laboratory Services, Illumina
Classification: Likely benign for Erythrokeratodermia variabilis et progressiva 1. Last evaluated: 2018-01-12. Review status: criteria provided, single submitter. Criteria: ICSL Variant Classification Criteria 13 December 2019. Collection method: clinical testing. Allele origin: germline.
Comment: This variant was observed in the ICSL laboratory as part of a predisposition screen in an ostensibly healthy population. It had not been previously curated by ICSL or reported in the Human Gene Mutation Database (HGMD: prior to June 1st, 2018), and was therefore a candidate for classification through an automated scoring system. Utilizing variant allele frequency, disease prevalence and penetrance estimates, and inheritance mode, an automated score was calculated to assess if this variant is too frequent to cause the disease. Based on the score and internal cut-off values, a variant classified as likely benign is not then subjected to further curation. The score for this variant resulted in a classification of likely benign for this disease.